The following is an entry in ClinVar:

NM_001008537.3(NEXMIF):c.3572_3573del (p.Ser1191fs)

Gene: NEXMIF (neurite extension and migration factor; minus strand). Cytogenetic location: Xq13.3.
Variant type: Microsatellite.
Coding change: c.3572_3573del on transcript NM_001008537.3 (MANE Select); coding-DNA positions 3572 to 3573, 2 bases deleted (CT; older notation c.3572_3573delCT).
Protein change: p.Ser1191fs; shifts the reading frame from serine 1191.
Molecular consequence: frameshift variant.
Genome position (GRCh38, 1-based): chrX:74,740,984-74,740,985, AG deleted on the plus strand (CT on the coding strand, the reverse complement: NEXMIF is on the minus strand); deleting any 2 consecutive bases within chrX:74,740,984-74,740,987 gives the same sequence; the c. name uses the placement nearest the transcript's 3' end. VCF-style (leftmost placement, unchanged base first): chrX-74740983-AAG-A. GRCh37 (hg19) VCF-style: chrX-73960818-AAG-A.
Other names: short protein forms S1191fs.
Identifiers: ClinVar variation 3641670 (VCV003641670.2).

ClinVar aggregate classification (germline): Pathogenic (1 of 4 stars; one submission).

Submission:

Labcorp Genetics (formerly Invitae), Labcorp
Classification: Pathogenic. Last evaluated: 2024-02-17. Review status: criteria provided, single submitter. Criteria: Invitae Variant Classification Sherloc (09022015). Collection method: clinical testing. Allele origin: germline.
Comment: This sequence change creates a premature translational stop signal (p.Ser1191Phefs*13) in the NEXMIF gene. It is expected to result in an absent or disrupted protein product. Loss-of-function variants in NEXMIF are known to be pathogenic (PMID: 23615299). This variant is not present in population databases (gnomAD no frequency). This variant has not been reported in the literature in individuals affected with NEXMIF-related conditions. For these reasons, this variant has been classified as Pathogenic.

Literature cited by the submitters: PubMed 23615299.